The following is an entry in ClinVar:

ClinVar aggregate classification (germline): Uncertain significance. Review status: criteria provided, multiple submitters, no conflicts (2 of 4 stars). 3 submissions from 3 submitters: Uncertain significance (3). Last evaluated 2023-07-06.

Conditions:
Hereditary cancer-predisposing syndrome. Also called: Hereditary neoplastic syndrome; Tumor predisposition; Hereditary Cancer Syndrome; Neoplastic Syndromes, Hereditary. Identifiers: Orphanet 140162, MedGen C0027672, MeSH D009386, MONDO:0015356.

Submissions (3):

Labcorp Genetics (formerly Invitae), Labcorp
Classification: Uncertain significance. Last evaluated: 2023-07-06. Review status: criteria provided, single submitter. Criteria: Invitae Variant Classification Sherloc (09022015). Collection method: clinical testing. Allele origin: germline.
Comment: This variant has not been reported in the literature in individuals affected with XRCC2-related conditions. In summary, the available evidence is currently insufficient to determine the role of this variant in disease. Therefore, it has been classified as a Variant of Uncertain Significance. Advanced modeling of protein sequence and biophysical properties (such as structural, functional, and spatial information, amino acid conservation, physicochemical variation, residue mobility, and thermodynamic stability) performed at Invitae indicates that this missense variant is expected to disrupt XRCC2 protein function. ClinVar contains an entry for this variant (Variation ID: 425429). This variant is not present in population databases (gnomAD no frequency). This sequence change replaces serine, which is neutral and polar, with phenylalanine, which is neutral and non-polar, at codon 142 of the XRCC2 protein (p.Ser142Phe).

Ambry Genetics
Classification: Uncertain significance for Hereditary cancer-predisposing syndrome. Last evaluated: 2023-05-27. Review status: criteria provided, single submitter. Criteria: Ambry Variant Classification Scheme 2023. Collection method: clinical testing. Allele origin: germline.
Comment: The p.S142F variant (also known as c.425C>T), located in coding exon 3 of the XRCC2 gene, results from a C to T substitution at nucleotide position 425. The serine at codon 142 is replaced by phenylalanine, an amino acid with highly dissimilar properties. This amino acid position is conserved. In addition, this alteration is predicted to be tolerated by in silico analysis. Since supporting evidence is limited at this time, the clinical significance of this alteration remains unclear.

CeGaT Center for Human Genetics Tuebingen
Classification: Uncertain significance. Last evaluated: 2016-10-01. Review status: criteria provided, single submitter. Criteria: CeGaT Center For Human Genetics Tuebingen Variant Classification Criteria Version 2. Collection method: clinical testing. Allele origin: germline. Affected: yes. Observed: 1 variant allele.

NM_005431.2(XRCC2):c.425C>T (p.Ser142Phe)

Gene: XRCC2 (X-ray repair cross complementing 2; minus strand). Cytogenetic location: 7q36.1.
Variant type: single nucleotide variant.
Coding change: c.425C>T on transcript NM_005431.2 (MANE Select); coding-DNA position 425, C replaced by T.
Protein change: p.Ser142Phe; replaces serine 142 with phenylalanine.
Molecular consequence: missense variant.
Genome position (GRCh38, 1-based): chr7:152,649,060, G>A on the plus strand (C>T on the coding strand, the complement: XRCC2 is on the minus strand). VCF-style: chr7-152649060-G-A. GRCh37 (hg19) VCF-style: chr7-152346145-G-A.
Other names: c.425C>T (NM_005431.1); short protein forms S142F.
Identifiers: ClinVar variation 425429 (VCV000425429.48), dbSNP rs1064797342, ClinGen allele CA16621862.